The following is an entry in ClinVar:

NM_015378.4(VPS13D):c.1770T>C (p.Thr590=)

Gene: VPS13D (vacuolar protein sorting 13 homolog D; plus strand). Cytogenetic location: 1p36.22.
Variant type: single nucleotide variant.
Coding change: c.1770T>C on transcript NM_015378.4 (MANE Select); coding-DNA position 1770, T replaced by C.
Protein change: p.Thr590=; no amino-acid change (threonine 590 retained).
Molecular consequence: synonymous variant.
Genome position (GRCh38, 1-based): chr1:12,267,889, T>C. VCF-style: chr1-12267889-T-C. GRCh37 (hg19) VCF-style: chr1-12327946-T-C.
Other names: p.Thr590=; c.1770T>C, p.Thr590= (NM_018156.4).
Identifiers: ClinVar variation 4684621 (VCV004684621.1).

ClinVar aggregate classification (germline): Likely benign (1 of 4 stars; one submission).

gnomAD v4.1: 1 of 1,614,210 alleles (0.000062%); highest among the groups gnomAD compares: Non-Finnish European, 0.000085%; no homozygotes.

Submission:

Mayo Clinic Laboratories, Mayo Clinic
Classification: Likely benign. Last evaluated: 2025-11-23. Review status: criteria provided, single submitter. Criteria: ACMG Guidelines, 2015. Collection method: clinical testing. Allele origin: germline. Observed: 2 variant alleles.
Comment: BP4, BP7